The following is an entry in ClinVar:

ClinVar aggregate classification (germline): Uncertain significance. Review status: criteria provided, multiple submitters, no conflicts (2 of 4 stars). 11 submissions from 11 submitters: Uncertain significance (10). 1 of the submissions does not count toward it. Last evaluated 2026-02-03.

Conditions:
Vascular dementia. Identifiers: MedGen C0011269, MeSH D015140, MONDO:0004648.
Inborn genetic diseases. Identifiers: MedGen C0950123, MeSH D030342.
Progressive sclerosing poliodystrophy (MTDPS4A). Also called: Mitochondrial DNA depletion syndrome 4A (Alpers type); Mitochondrial DNA Depletion Syndrome 4A; ALPERS PROGRESSIVE INFANTILE POLIODYSTROPHY; Alpers-Huttenlocher Syndrome; Alpers Syndrome; ALPERS DIFFUSE DEGENERATION OF CEREBRAL GRAY MATTER WITH HEPATIC CIRRHOSIS. Identifiers: Orphanet 726, MedGen C0205710, MONDO:0008758, OMIM 203700.
Progressive external ophthalmoplegia with mitochondrial DNA deletions, autosomal dominant 1 (PEOA1). Also called: PROGRESSIVE EXTERNAL OPHTHALMOPLEGIA, AUTOSOMAL DOMINANT 1; Autosomal Dominant Progressive External Ophthalmoplegia (adPEO). Identifiers: MedGen C1834846, MONDO:0024528, OMIM 157640.
Progressive external ophthalmoplegia with mitochondrial DNA deletions, autosomal recessive 1 (PEOB1). Also called: Progressive external ophthalmoplegia, autosomal recessive 1; Autosomal Recessive Progressive External Ophthalmoplegia (arPEO). Identifiers: Orphanet 254886, MedGen C4225153, MONDO:0009783, OMIM 258450.
Sensory ataxic neuropathy, dysarthria, and ophthalmoparesis (SANDO). Also called: Sensory ataxic neuropathy-dysarthria-ophthalmoparesis syndrome; Ataxia Neuropathy Spectrum (ANS); SENSORY ATAXIC NEUROPATHY WITH MITOCHONDRIAL DNA DELETIONS, AUTOSOMAL RECESSIVE; Epilepsy, progressive myoclonic, type 5. Identifiers: Orphanet 70595, MedGen C1843851, MONDO:0011835, OMIM 607459.
Mitochondrial DNA depletion syndrome 4b. Also called: Mitochondrial Neurogastrointestinal Encephalopathy Disease, POLG-Related; MNGIE, POLG-RELATED. Identifiers: Orphanet 298, MedGen C3150914, MONDO:0013350, OMIM 613662.
POLG-related disorder. Also called: POLG-Related Spectrum Disorders; POLG-related condition; POLG-Related Disorders. Identifiers: MedGen C4763519.

Allele frequency attached by ClinVar (database versions not stated): ExAC 0.00002; gnomAD exomes 0.00002 and 0.00004; TOPMed 0.00004; gnomAD 0.00005 and 0.00006; 1000 Genomes Project 30x 0.00016; 1000 Genomes Project 0.00020.

Submissions (11):

Labcorp Genetics (formerly Invitae), Labcorp
Classification: Uncertain significance for Progressive sclerosing poliodystrophy. Last evaluated: 2026-02-03. Review status: criteria provided, single submitter. Criteria: Invitae Variant Classification Sherloc (09022015). Collection method: clinical testing. Allele origin: germline.
Comment: This sequence change replaces asparagine, which is neutral and polar, with aspartic acid, which is acidic and polar, at codon 740 of the POLG protein (p.Asn740Asp). This variant is present in population databases (rs78347903, gnomAD 0.005%). This missense change has been observed in individual(s) with vascular dementia (PMID: 35307828). ClinVar contains an entry for this variant (Variation ID: 206519). Invitae Evidence Modeling of protein sequence and biophysical properties (such as structural, functional, and spatial information, amino acid conservation, physicochemical variation, residue mobility, and thermodynamic stability) indicates that this missense variant is not expected to disrupt POLG protein function with a negative predictive value of 95%. In summary, the available evidence is currently insufficient to determine the role of this variant in disease. Therefore, it has been classified as a Variant of Uncertain Significance.

GeneDx
Classification: Uncertain significance. Last evaluated: 2025-11-22. Review status: criteria provided, single submitter. Criteria: GeneDx Variant Classification Process June 2021. Collection method: clinical testing. Allele origin: germline. Affected: yes.
Comment: Reported as present in tumor tissue samples in a colorectal cancer study (PMID: 25850945); Not observed at significant frequency in large population cohorts (gnomAD); In silico analysis suggests that this missense variant does not alter protein structure/function; This variant is associated with the following publications: (PMID: 25850945, 35307828)

Ambry Genetics
Classification: Uncertain significance for Inborn genetic diseases. Last evaluated: 2024-12-13. Review status: criteria provided, single submitter. Criteria: Ambry Variant Classification Scheme 2023. Collection method: clinical testing. Allele origin: germline.
Comment: The c.2218A>G (p.N740D) alteration is located in exon 13 (coding exon 12) of the POLG gene. This alteration results from an A to G substitution at nucleotide position 2218, causing the asparagine (N) at amino acid position 740 to be replaced by an aspartic acid (D). Based on data from gnomAD, the G allele has an overall frequency of 0.002% (6/282780) total alleles studied. The highest observed frequency was 0.008% (2/24964) of African alleles. This amino acid position is well conserved in available vertebrate species. This alteration is predicted to be tolerated by in silico analysis. Based on insufficient or conflicting evidence, the clinical significance of this alteration remains unclear.

CeGaT Center for Human Genetics Tuebingen
Classification: Uncertain significance. Last evaluated: 2024-06-01. Review status: criteria provided, single submitter. Criteria: CeGaT Center For Human Genetics Tuebingen Variant Classification Criteria Version 2. Collection method: clinical testing. Allele origin: germline. Affected: yes. Observed: 1 variant allele.
Comment: POLG: PM2

Blueprint Genetics
Classification: Uncertain significance. Last evaluated: 2024-04-23. Review status: criteria provided, single submitter. Criteria: ACMG Guidelines, 2015. Collection method: clinical testing. Allele origin: germline.

Mayo Clinic Laboratories, Mayo Clinic
Classification: Uncertain significance. Last evaluated: 2024-01-29. Review status: criteria provided, single submitter. Criteria: ACMG Guidelines, 2015. Collection method: clinical testing. Allele origin: germline. Observed: 1 variant allele.

Revvity Omics, Revvity
Classification: Uncertain significance. Last evaluated: 2023-11-02. Review status: criteria provided, single submitter. Criteria: ACMG Guidelines, 2015. Collection method: clinical testing. Allele origin: germline.

New York Genome Center
Classification: Uncertain significance for Sensory ataxic neuropathy, dysarthria, and ophthalmoparesis; Mitochondrial DNA depletion syndrome 4b; Progressive sclerosing poliodystrophy; Progressive external ophthalmoplegia with mitochondrial DNA deletions, autosomal recessive 1; Progressive external ophthalmoplegia with mitochondrial DNA deletions, autosomal dominant 1. Last evaluated: 2023-06-16. Review status: criteria provided, single submitter. Criteria: NYGC Assertion Criteria 2020. Collection method: clinical testing. Allele origin: germline. Observed: 1 heterozygote.

Athena Diagnostics
Classification: Uncertain significance. Last evaluated: 2018-01-10. Review status: criteria provided, single submitter. Criteria: Athena Diagnostics Criteria. Collection method: clinical testing. Allele origin: germline.

Illumina Laboratory Services, Illumina
Classification: Uncertain significance for POLG-Related Spectrum Disorders. Last evaluated: 2017-04-27. Review status: criteria provided, single submitter. Criteria: ICSL Variant Classification Criteria 13 December 2019. Collection method: clinical testing. Allele origin: germline.

Myllykangas group, University of Helsinki
Classification: Uncertain significance for Vascular dementia. Last evaluated: 2021-10-01. Review status: no assertion criteria provided. Collection method: research. Allele origin: germline. Affected: yes. Not counted in ClinVar's aggregate classification.

Literature cited by the submitters: PubMed 35307828 (cited by 3 submitters); PubMed 25850945 (cited by Athena Diagnostics).

NM_002693.3(POLG):c.2218A>G (p.Asn740Asp)

Gene: POLG (DNA polymerase gamma, catalytic subunit; minus strand). Cytogenetic location: 15q26.1.
Variant type: single nucleotide variant.
Coding change: c.2218A>G on transcript NM_002693.3 (MANE Select); coding-DNA position 2218, A replaced by G.
Protein change: p.Asn740Asp; replaces asparagine 740 with aspartic acid.
Molecular consequence: missense variant.
Genome position (GRCh38, 1-based): chr15:89,323,451, T>C on the plus strand (A>G on the coding strand, the complement: POLG is on the minus strand). VCF-style: chr15-89323451-T-C. GRCh37 (hg19) VCF-style: chr15-89866682-T-C.
Other names: p.N740D:AAC>GAC; p.Asn740Asp; c.2218A>G, p.Asn740Asp (NM_001126131.2); short protein forms N740D.
Identifiers: ClinVar variation 206519 (VCV000206519.63), dbSNP rs78347903, ClinGen allele CA316683.
Genomic context (GRCh38, chr15:89,323,451, plus strand): 5'-ACCCAGGACACACCTTGTGAGGCAGCTTGAAAAACCAGCAGCCAGGGATGTCCACGTCGT[T>C]GTAAGGTCCATTGCCATGGTGATAGCTGGGCTGGGTGTCCTTGGGGCCACCACGGGCAGT-3'
Protein context (NP_002684.1, residues 730-750): PSYHHGNGPY[Asn740Asp]DVDIPGCWFF